The following is an entry in ClinVar:

ClinVar aggregate classification (germline): Uncertain significance (1 of 4 stars; one submission).

Conditions:
ACOX2-related disorder. Also called: ACOX2-related condition.

Allele frequency attached by ClinVar (database versions not stated): gnomAD 0.00001; gnomAD exomes 0.00003; ExAC 0.00007.

Submission:

PreventionGenetics, part of Exact Sciences
Classification: Uncertain significance for ACOX2-related condition. Last evaluated: 2022-10-12. Review status: criteria provided, single submitter. Criteria: ACMG Guidelines, 2015. Collection method: clinical testing. Allele origin: germline.
Comment: The ACOX2 c.1456_1457dupCC variant is predicted to result in a frameshift and premature protein termination (p.Ala487Glnfs*23). To our knowledge, this variant has not been reported in the literature. This variant is reported in 0.046% of alleles in individuals of South Asian descent in gnomAD. At this time, the clinical significance of this variant is uncertain due to the absence of conclusive functional and genetic evidence.

NM_003500.4(ACOX2):c.1456_1457dup (p.Ala487fs)

Gene: ACOX2 (acyl-CoA oxidase 2; minus strand). Cytogenetic location: 3p14.3.
Variant type: Duplication.
Coding change: c.1456_1457dup on transcript NM_003500.4 (MANE Select); coding-DNA positions 1456 to 1457, 2 bases duplicated (CC; older notation c.1456_1457dupCC).
Protein change: p.Ala487fs; shifts the reading frame from alanine 487.
Molecular consequence: frameshift variant.
Genome position (GRCh38, 1-based): chr3:58,524,495-58,524,496, GG duplicated on the plus strand (CC on the coding strand, the reverse complement: ACOX2 is on the minus strand). VCF-style (leftmost placement, unchanged base first): chr3-58524494-T-TGG. GRCh37 (hg19) VCF-style: chr3-58510221-T-TGG.
Other names: short protein forms A487fs.
Identifiers: ClinVar variation 2636916 (VCV002636916.1), dbSNP rs769646916, ClinGen allele CA2472065.